The following is an entry in ClinVar:

ClinVar aggregate classification (germline): Uncertain significance (1 of 4 stars; one submission).

Conditions:
STING-associated vasculopathy with onset in infancy. Also called: Sting-associated vasculopathy, infantile-onset. Identifiers: Orphanet 425120, MedGen C4014722, MONDO:0014405, OMIM 615934.

gnomAD v4.1: 2 of 1,614,020 alleles (0.00012%); highest among the groups gnomAD compares: Non-Finnish European, 0.00017%; no homozygotes.

Submission:

Labcorp Genetics (formerly Invitae), Labcorp
Classification: Uncertain significance for STING-associated vasculopathy with onset in infancy. Last evaluated: 2024-03-10. Review status: criteria provided, single submitter. Criteria: Invitae Variant Classification Sherloc (09022015). Collection method: clinical testing. Allele origin: germline.
Comment: This sequence change affects codon 137 of the TMEM173 mRNA. It is a 'silent' change, meaning that it does not change the encoded amino acid sequence of the TMEM173 protein. This variant also falls at the last nucleotide of exon 4, which is part of the consensus splice site for this exon. This variant is present in population databases (no rsID available, gnomAD 0.0009%). This variant has not been reported in the literature in individuals affected with TMEM173-related conditions. Variants that disrupt the consensus splice site are a relatively common cause of aberrant splicing (PMID: 17576681, 9536098). Algorithms developed to predict the effect of sequence changes on RNA splicing suggest that this variant may disrupt the consensus splice site. In summary, the available evidence is currently insufficient to determine the role of this variant in disease. Therefore, it has been classified as a Variant of Uncertain Significance.

Literature cited by the submitters: PubMed 17576681; PubMed 9536098.

NM_198282.4(STING1):c.411G>A (p.Lys137=)

Genes: STING1 (stimulator of interferon response cGAMP interactor 1; minus strand), LOC123522803 (Sharpr-MPRA regulatory region 11914; plus strand). Cytogenetic location: 5q31.2.
Variant type: single nucleotide variant.
Coding change: c.411G>A on transcript NM_198282.4 (MANE Select); coding-DNA position 411, G replaced by A.
Protein change: p.Lys137=; no amino-acid change (lysine 137 retained).
Molecular consequence: synonymous variant.
Genome position (GRCh38, 1-based): chr5:139,481,159, C>T on the plus strand (G>A on the coding strand, the complement: STING1 is on the minus strand). VCF-style: chr5-139481159-C-T. GRCh37 (hg19) VCF-style: chr5-138860744-C-T.
Other names: c.411G>A, p.Lys137= (NM_001301738.2); c.54G>A, p.Lys18= (NM_001367258.1).
Identifiers: ClinVar variation 3620208 (VCV003620208.2).